The following is an entry in ClinVar:

ClinVar aggregate classification (germline): Conflicting classifications of pathogenicity. Review status: criteria provided, conflicting classifications (1 of 4 stars). 4 submissions from 4 submitters: Uncertain significance (1); Benign (1); Likely benign (2). Last evaluated 2025-12-01.

Conditions:
Long QT syndrome (LQTS). Identifiers: MedGen C0023976, MeSH D008133, MONDO:0002442. Disease mechanism: loss of function. Inheritance: Various modes of inheritance.
Cardiac arrhythmia, ankyrin-B-related. Also called: ANKYRIN-B SYNDROME. Identifiers: Orphanet 101016, Orphanet 768, MedGen C1970119, MONDO:0010958, OMIM 600919.
Cardiovascular phenotype. Identifiers: MedGen CN230736.

Allele frequency attached by ClinVar (database versions not stated): gnomAD below 0.00001 and 0.00004; TOPMed 0.00002; ExAC 0.00014; gnomAD exomes 0.00014.
gnomAD v4.1: 103 of 1,613,800 alleles (0.0064%); highest among the groups gnomAD compares: South Asian, 0.096%; 2 homozygotes.

Submissions (4):

Labcorp Genetics (formerly Invitae), Labcorp
Classification: Likely benign for Long QT syndrome. Last evaluated: 2025-12-01. Review status: criteria provided, single submitter. Criteria: Invitae Variant Classification Sherloc (09022015). Collection method: clinical testing. Allele origin: germline.

CeGaT Center for Human Genetics Tuebingen
Classification: Benign. Last evaluated: 2024-02-01. Review status: criteria provided, single submitter. Criteria: CeGaT Center For Human Genetics Tuebingen Variant Classification Criteria Version 2. Collection method: clinical testing. Allele origin: germline. Affected: yes. Observed: 1 variant allele.
Comment: ANK2: BP4, BS1, BS2

Ambry Genetics
Classification: Likely benign for Cardiovascular phenotype. Last evaluated: 2020-03-16. Review status: criteria provided, single submitter. Criteria: Ambry Variant Classification Scheme 2023. Collection method: clinical testing. Allele origin: germline.

Illumina Laboratory Services, Illumina
Classification: Uncertain significance for Cardiac arrhythmia, ankyrin-B-related. Last evaluated: 2018-01-13. Review status: criteria provided, single submitter. Criteria: ICSL Variant Classification Criteria 13 December 2019. Collection method: clinical testing. Allele origin: germline.

NM_001148.6(ANK2):c.4811G>A (p.Arg1604Lys)

Gene: ANK2 (ankyrin 2; plus strand). Cytogenetic location: 4q26.
Variant type: single nucleotide variant.
Coding change: c.4811G>A on transcript NM_001148.6 (MANE Select); coding-DNA position 4811, G replaced by A.
Protein change: p.Arg1604Lys; replaces arginine 1604 with lysine.
Molecular consequence: missense variant. On other transcripts: intron variant (68).
Genome position (GRCh38, 1-based): chr4:113,353,429, G>A. VCF-style: chr4-113353429-G-A. GRCh37 (hg19) VCF-style: chr4-114274585-G-A.
Other names: c.4577G>A, p.Arg1526Lys (NM_001386142.1); c.1211G>A, p.Arg404Lys (NM_001386166.1); c.4952G>A, p.Arg1651Lys (NM_001386174.1); c.4928G>A, p.Arg1643Lys (NM_001386175.1); c.4411+3180G>A (NM_001386186.2, NM_001386148.2); c.4213+3180G>A (NM_001354269.3); c.4291+3180G>A (NM_001386187.2); c.4252+3180G>A (NM_001386147.1); and 35 more; short protein forms R1604K, R1526K, R1643K, R1651K, R404K.
Identifiers: ClinVar variation 843041 (VCV000843041.34), dbSNP rs776426910, ClinGen allele CA3051145.